The following is an entry in ClinVar:

ClinVar aggregate classification (germline): Uncertain significance. Review status: criteria provided, multiple submitters, no conflicts (2 of 4 stars). 2 submissions from 2 submitters: Uncertain significance (2). Last evaluated 2021-11-11.

Conditions:
Hereditary cancer-predisposing syndrome. Also called: Hereditary neoplastic syndrome; Neoplastic Syndromes, Hereditary; Tumor predisposition; Hereditary Cancer Syndrome. Identifiers: Orphanet 140162, MedGen C0027672, MeSH D009386, MONDO:0015356.
Hereditary diffuse gastric adenocarcinoma (HDGC). Also called: DIFFUSE GASTRIC AND LOBULAR BREAST CANCER SYNDROME. Identifiers: Orphanet 26106, MedGen C1708349, MONDO:0007648, OMIM 137215.

Submissions (2):

Ambry Genetics
Classification: Uncertain significance for Hereditary cancer-predisposing syndrome. Last evaluated: 2021-11-11. Review status: criteria provided, single submitter. Criteria: Ambry Variant Classification Scheme 2023. Collection method: clinical testing. Allele origin: germline.
Comment: The p.P780L variant (also known as c.2339C>T), located in coding exon 15 of the CDH1 gene, results from a C to T substitution at nucleotide position 2339. The proline at codon 780 is replaced by leucine, an amino acid with similar properties. This amino acid position is highly conserved in available vertebrate species. In addition, this alteration is predicted to be deleterious by in silico analysis. Since supporting evidence is limited at this time, the clinical significance of this alteration remains unclear.

Labcorp Genetics (formerly Invitae), Labcorp
Classification: Uncertain significance for Hereditary diffuse gastric adenocarcinoma. Last evaluated: 2019-12-15. Review status: criteria provided, single submitter. Criteria: Invitae Variant Classification Sherloc (09022015). Collection method: clinical testing. Allele origin: germline.
Comment: This sequence change replaces proline with leucine at codon 780 of the CDH1 protein (p.Pro780Leu). The proline residue is highly conserved and there is a moderate physicochemical difference between proline and leucine. This variant is not present in population databases (ExAC no frequency) and has not been reported in the literature in individuals with a CDH1-related disease. In summary, this variant is a novel missense change with uncertain impact on protein function. It has been classified as a Variant of Uncertain Significance. Algorithms developed to predict the effect of missense changes on protein structure and function do not agree on the potential impact of this missense change (SIFT: "Deleterious"; PolyPhen-2: "Probably Damaging"; Align-GVGD: "Class C0").

NM_004360.5(CDH1):c.2339C>T (p.Pro780Leu)

Gene: CDH1 (cadherin 1; plus strand). Cytogenetic location: 16q22.1.
Variant type: single nucleotide variant.
Coding change: c.2339C>T on transcript NM_004360.5 (MANE Select); coding-DNA position 2339, C replaced by T.
Protein change: p.Pro780Leu; replaces proline 780 with leucine.
Molecular consequence: missense variant.
Genome position (GRCh38, 1-based): chr16:68,829,697, C>T. VCF-style: chr16-68829697-C-T. GRCh37 (hg19) VCF-style: chr16-68863600-C-T.
Other names: c.2339C>T (LRG_301t1); c.2156C>T, p.Pro719Leu (NM_001317184.2); c.791C>T, p.Pro264Leu (NM_001317185.2); c.374C>T, p.Pro125Leu (NM_001317186.2); short protein forms P780L, P719L, P125L, P264L.
Identifiers: ClinVar variation 463758 (VCV000463758.15), dbSNP rs1555517841, ClinGen allele CA396470952.